The following is an entry in ClinVar:

NM_001267550.2(TTN):c.43291G>A (p.Val14431Ile)

Gene: TTN (titin; minus strand). Cytogenetic location: 2q31.2.
Variant type: single nucleotide variant.
Coding change: c.43291G>A on transcript NM_001267550.2 (MANE Select); coding-DNA position 43291, G replaced by A.
Protein change: p.Val14431Ile; replaces valine 14431 with isoleucine.
Molecular consequence: missense variant.
Genome position (GRCh38, 1-based): chr2:178,632,715, C>T on the plus strand (G>A on the coding strand, the complement: TTN is on the minus strand). VCF-style: chr2-178632715-C-T. GRCh37 (hg19) VCF-style: chr2-179497442-C-T.
Other names: c.38368G>A, p.Val12790Ile (NM_001256850.1); c.16096G>A, p.Val5366Ile (NM_003319.4); c.35587G>A, p.Val11863Ile (NM_133378.4); c.16471G>A, p.Val5491Ile (NM_133432.3); c.16672G>A, p.Val5558Ile (NM_133437.4); short protein forms V11863I, V12790I, V14431I, V5366I, V5491I, V5558I.
Identifiers: ClinVar variation 4076454 (VCV004076454.1).
Genomic context (GRCh38, chr2:178,632,715, plus strand): 5'-CATCACCTGTGATTTCCTGGGTTCCTTTTAGCCAACGGAATGTTTTGGGCTCCCTGGATA[C>T]TTCACACTCAAACTTAGCCTCATCTTTCTCGAAGACTTTAACATCACTGAGAGGTGTGAT-3'
Protein context (NP_001254479.2, residues 14421-14441): EKDEAKFECE[Val14431Ile]SREPKTFRWL

ClinVar aggregate classification (germline): Likely benign (1 of 4 stars; one submission).

Submission:

Molecular Diagnostic Laboratory for Inherited Cardiovascular Disease, Montreal Heart Institute
Classification: Likely benign. Last evaluated: 2025-07-24. Review status: criteria provided, single submitter. Criteria: ACMG Guidelines, 2015. Collection method: clinical testing. Allele origin: germline. Affected: no.
Comment: BP1